The following is an entry in ClinVar:

ClinVar aggregate classification (germline): Uncertain significance (1 of 4 stars; one submission).

gnomAD v4.1: 36 of 1,556,696 alleles (0.0023%); highest among the groups gnomAD compares: African/African-American, 0.04%; no homozygotes.

Submissions (2):

GeneDx
Classification: Uncertain significance. Last evaluated: 2025-09-06. Review status: criteria provided, single submitter. Criteria: GeneDx Variant Classification Process June 2021. Collection method: clinical testing. Allele origin: germline. Affected: yes.
Comment: Intronic +5 splice site variant in a gene for which loss of function is a known mechanism of disease, and both splice predictors and evolutionary conservation support a deleterious effect, although in the absence of functional evidence the actual effect of this sequence change is unknown.; Has not been previously published as pathogenic or benign to our knowledge

Dr. Peter K. Rogan Lab, Western University
No classification provided (evidence only). Condition: Sarcoma. Review status: no classification provided. Collection method: in vitro. Allele origin: not applicable. Functional consequence: skipped exon. Not counted in ClinVar's aggregate classification.

NM_138775.3(ALKBH8):c.595+5G>A

Gene: ALKBH8 (alkB homolog 8, tRNA methyltransferase; minus strand). Cytogenetic location: 11q22.3.
Variant type: single nucleotide variant.
Coding change: c.595+5G>A on transcript NM_138775.3 (MANE Select); 5 bases into the intron after coding-DNA position 595, G replaced by A.
Molecular consequence: intron variant.
Genome position (GRCh38, 1-based): chr11:107,553,103, C>T on the plus strand (G>A on the coding strand, the complement: ALKBH8 is on the minus strand). VCF-style: chr11-107553103-C-T. GRCh37 (hg19) VCF-style: chr11-107423829-C-T.
Other names: NC_000011.9:g.107423829C>T; c.595+5G>A (NM_001378133.1, NM_001301010.3).
Identifiers: ClinVar variation 4367169 (VCV004367169.2).
Genomic context (GRCh38, chr11:107,553,103, plus strand): 5'-ATCATATTCTACTAATATATTAATATTTTTGAGCCAGAATTTATTATGTATTAGCAATTA[C>T]TTACCCCCAGATAATGGCTTATCTTTATCTACATTGTTGTTCTCATAGTGGAACTCATAA-3'